The following is an entry in ClinVar:

NM_078470.6(COX15):c.817C>T (p.Leu273Phe)

Gene: COX15 (cytochrome c oxidase assembly homolog COX15; minus strand). Cytogenetic location: 10q24.2.
Variant type: single nucleotide variant.
Coding change: c.817C>T on transcript NM_078470.6 (MANE Select); coding-DNA position 817, C replaced by T.
Protein change: p.Leu273Phe; replaces leucine 273 with phenylalanine.
Molecular consequence: missense variant. On other transcripts: non-coding transcript variant (1), intron variant (1).
Genome position (GRCh38, 1-based): chr10:99,721,002, G>A on the plus strand (C>T on the coding strand, the complement: COX15 is on the minus strand). VCF-style: chr10-99721002-G-A. GRCh37 (hg19) VCF-style: chr10-101480759-G-A.
Other names: c.817C>T, p.Leu273Phe (NM_001320974.2, NM_001320975.2, NM_001372024.1 and 4 more transcripts); c.280C>T, p.Leu94Phe (NM_001320976.2); c.805+12C>T (NM_001372026.1); short protein forms L273F, L94F.
Identifiers: ClinVar variation 1971815 (VCV001971815.3), dbSNP rs1302173952, ClinGen allele CA378102344.

ClinVar aggregate classification (germline): Uncertain significance. Review status: criteria provided, multiple submitters, no conflicts (2 of 4 stars). 2 submissions from 2 submitters: Uncertain significance (2). Last evaluated 2023-08-29.

Allele frequency attached by ClinVar (database versions not stated): gnomAD 0.00001; gnomAD exomes 0.00001; TOPMed 0.00001.
gnomAD v4.1: 11 of 1,613,682 alleles (0.00068%); no homozygotes.

Submissions (2):

GeneDx
Classification: Uncertain significance. Last evaluated: 2023-08-29. Review status: criteria provided, single submitter. Criteria: GeneDx Variant Classification Process June 2021. Collection method: clinical testing. Allele origin: germline. Affected: yes.
Comment: In silico analysis supports that this missense variant does not alter protein structure/function; Has not been previously published as pathogenic or benign to our knowledge

Labcorp Genetics (formerly Invitae), Labcorp
Classification: Uncertain significance. Last evaluated: 2022-06-01. Review status: criteria provided, single submitter. Criteria: Invitae Variant Classification Sherloc (09022015). Collection method: clinical testing. Allele origin: germline.
Comment: This sequence change replaces leucine, which is neutral and non-polar, with phenylalanine, which is neutral and non-polar, at codon 273 of the COX15 protein (p.Leu273Phe). This variant is present in population databases (no rsID available, gnomAD 0.02%). This variant has not been reported in the literature in individuals affected with COX15-related conditions. Algorithms developed to predict the effect of missense changes on protein structure and function are either unavailable or do not agree on the potential impact of this missense change (SIFT: "Not Available"; PolyPhen-2: "Benign"; Align-GVGD: "Not Available"). In summary, the available evidence is currently insufficient to determine the role of this variant in disease. Therefore, it has been classified as a Variant of Uncertain Significance.